The following is an entry in ClinVar:

ClinVar aggregate classification (germline): Uncertain significance (1 of 4 stars; one submission).

Conditions:
Ehlers-Danlos syndrome, classic type, 1 (EDSCL1). Also called: EHLERS-DANLOS SYNDROME, GRAVIS TYPE; EHLERS-DANLOS SYNDROME, SEVERE CLASSIC TYPE; Ehlers-Danlos syndrome, type 1; Ehlers-Danlos Syndrome, Classic Type, COL5A1-Related; EDS I. Identifiers: MedGen C0268335, MONDO:0019567, OMIM 130000.

Submission:

Labcorp Genetics (formerly Invitae), Labcorp
Classification: Uncertain significance for Ehlers-Danlos syndrome, classic type, 1. Last evaluated: 2023-10-22. Review status: criteria provided, single submitter. Criteria: Invitae Variant Classification Sherloc (09022015). Collection method: clinical testing. Allele origin: germline.
Comment: This sequence change replaces proline, which is neutral and non-polar, with threonine, which is neutral and polar, at codon 31 of the COL5A1 protein (p.Pro31Thr). This variant is not present in population databases (gnomAD no frequency). This variant has not been reported in the literature in individuals affected with COL5A1-related conditions. Advanced modeling of protein sequence and biophysical properties (such as structural, functional, and spatial information, amino acid conservation, physicochemical variation, residue mobility, and thermodynamic stability) performed at Invitae indicates that this missense variant is not expected to disrupt COL5A1 protein function. In summary, the available evidence is currently insufficient to determine the role of this variant in disease. Therefore, it has been classified as a Variant of Uncertain Significance.

NM_000093.5(COL5A1):c.91C>A (p.Pro31Thr)

Gene: COL5A1 (collagen type V alpha 1 chain; plus strand). Cytogenetic location: 9q34.3.
Variant type: single nucleotide variant.
Coding change: c.91C>A on transcript NM_000093.5 (MANE Select); coding-DNA position 91, C replaced by A.
Protein change: p.Pro31Thr; replaces proline 31 with threonine.
Molecular consequence: missense variant.
Genome position (GRCh38, 1-based): chr9:134,642,278, C>A. VCF-style: chr9-134642278-C-A. GRCh37 (hg19) VCF-style: chr9-137534124-C-A.
Other names: c.91C>A, p.Pro31Thr (NM_001278074.1); short protein forms P31T.
Identifiers: ClinVar variation 2790289 (VCV002790289.3), dbSNP rs2491094203, ClinGen allele CA375444038.